The following is an entry in ClinVar:

ClinVar aggregate classification (germline): Uncertain significance. Review status: criteria provided, multiple submitters, no conflicts (2 of 4 stars). 2 submissions from 2 submitters: Uncertain significance (2). Last evaluated 2025-02-24.

Conditions:
Idiopathic generalized epilepsy. Also called: EIG; Generalised epilepsy. Identifiers: MedGen C0270850, MONDO:0005579, OMIM 600669.
Hyperaldosteronism, familial, type IV (HALD4). Also called: FH IV; ALDOSTERONISM, PRIMARY, AND HYPERTENSION. Identifiers: Orphanet 642671, MedGen C4310756, MONDO:0014875, OMIM 617027.
Inborn genetic diseases. Identifiers: MedGen C0950123, MeSH D030342.

gnomAD v4.1: 6 of 1,607,992 alleles (0.00037%); highest among the groups gnomAD compares: Admixed American, 0.0017%; no homozygotes.

Submissions (2):

Labcorp Genetics (formerly Invitae), Labcorp
Classification: Uncertain significance for Idiopathic generalized epilepsy; Hyperaldosteronism, familial, type IV. Last evaluated: 2025-02-24. Review status: criteria provided, single submitter. Criteria: Invitae Variant Classification Sherloc (09022015). Collection method: clinical testing. Allele origin: germline.
Comment: This sequence change replaces arginine, which is basic and polar, with proline, which is neutral and non-polar, at codon 1580 of the CACNA1H protein (p.Arg1580Pro). This variant is present in population databases (rs200627008, gnomAD 0.003%). This variant has not been reported in the literature in individuals affected with CACNA1H-related conditions. ClinVar contains an entry for this variant (Variation ID: 2295465). Invitae Evidence Modeling of protein sequence and biophysical properties (such as structural, functional, and spatial information, amino acid conservation, physicochemical variation, residue mobility, and thermodynamic stability) indicates that this missense variant is not expected to disrupt CACNA1H protein function with a negative predictive value of 80%. In summary, the available evidence is currently insufficient to determine the role of this variant in disease. Therefore, it has been classified as a Variant of Uncertain Significance.

Ambry Genetics
Classification: Uncertain significance for Inborn genetic diseases. Last evaluated: 2022-12-06. Review status: criteria provided, single submitter. Criteria: Ambry Variant Classification Scheme 2023. Collection method: clinical testing. Allele origin: germline.

NM_021098.3(CACNA1H):c.4739G>C (p.Arg1580Pro)

Gene: CACNA1H (calcium voltage-gated channel subunit alpha1 H; plus strand). Cytogenetic location: 16p13.3.
Variant type: single nucleotide variant.
Coding change: c.4739G>C on transcript NM_021098.3 (MANE Select); coding-DNA position 4739, G replaced by C.
Protein change: p.Arg1580Pro; replaces arginine 1580 with proline.
Molecular consequence: missense variant.
Genome position (GRCh38, 1-based): chr16:1,212,118, G>C. VCF-style: chr16-1212118-G-C. GRCh37 (hg19) VCF-style: chr16-1262118-G-C.
Other names: c.4739G>C, p.Arg1580Pro (NM_001005407.2); short protein forms R1580P.
Identifiers: ClinVar variation 2295465 (VCV002295465.4), dbSNP rs200627008, ClinGen allele CA7801513.
Genomic context (GRCh38, chr16:1,212,118, plus strand): 5'-AGTGCCGGCAGCACCAGGAGGCGGAGGAGGCGCGGCGGCGAGAGGAGAAGCGGCTGCGGC[G>C]CCTAGAGAGGAGGCGCAGGAGTAAGGCGCTCCCGGTGGCGGTGGCGGTGGCGGGTCGGTA-3'
Protein context (NP_066921.2, residues 1570-1590): ARRREEKRLR[Arg1580Pro]LERRRRSTFP